The following is an entry in ClinVar:

ClinVar aggregate classification (germline): Uncertain significance. Review status: criteria provided, multiple submitters, no conflicts (2 of 4 stars). 3 submissions from 3 submitters: Uncertain significance (2). 1 of the submissions does not count toward it. Last evaluated 2025-07-18.

Conditions:
Bloom syndrome (BLM). Also called: Bloom-Torre-Machacek syndrome. Identifiers: Orphanet 125, MedGen C0005859, MONDO:0008876, OMIM 210900.
Hereditary cancer-predisposing syndrome. Also called: Tumor predisposition; Hereditary neoplastic syndrome; Hereditary Cancer Syndrome; Neoplastic Syndromes, Hereditary. Identifiers: Orphanet 140162, MedGen C0027672, MeSH D009386, MONDO:0015356.

Allele frequency attached by ClinVar (database versions not stated): gnomAD exomes below 0.00001; ExAC 0.00001; gnomAD 0.00001; TOPMed 0.00001.
gnomAD v4.1: 2 of 1,593,306 alleles (0.00013%); highest among the groups gnomAD compares: African/African-American, 0.0027%; no homozygotes.

Submissions (3):

Ambry Genetics
Classification: Uncertain significance for Hereditary cancer-predisposing syndrome. Last evaluated: 2025-07-18. Review status: criteria provided, single submitter. Criteria: Ambry Variant Classification Scheme 2023. Collection method: clinical testing. Allele origin: germline.
Comment: The p.G189D variant (also known as c.566G>A), located in coding exon 2 of the BLM gene, results from a G to A substitution at nucleotide position 566. The glycine at codon 189 is replaced by aspartic acid, an amino acid with similar properties. This amino acid position is poorly conserved in available vertebrate species. In addition, this alteration is predicted to be tolerated by in silico analysis. Since supporting evidence is limited at this time, the clinical significance of this alteration remains unclear.

Labcorp Genetics (formerly Invitae), Labcorp
Classification: Uncertain significance for Bloom syndrome. Last evaluated: 2025-03-26. Review status: criteria provided, single submitter. Criteria: Invitae Variant Classification Sherloc (09022015). Collection method: clinical testing. Allele origin: germline.
Comment: This sequence change replaces glycine, which is neutral and non-polar, with aspartic acid, which is acidic and polar, at codon 189 of the BLM protein (p.Gly189Asp). This variant is present in population databases (rs754306004, gnomAD 0.007%). This variant has not been reported in the literature in individuals affected with BLM-related conditions. ClinVar contains an entry for this variant (Variation ID: 576276). An algorithm developed to predict the effect of missense changes on protein structure and function outputs the following: PolyPhen-2: "Benign". The aspartic acid amino acid residue is found in multiple mammalian species, which suggests that this missense change does not adversely affect protein function. In summary, the available evidence is currently insufficient to determine the role of this variant in disease. Therefore, it has been classified as a Variant of Uncertain Significance.

Natera, Inc.
Classification: Uncertain significance for Bloom syndrome. Last evaluated: 2017-08-23. Review status: no assertion criteria provided. Collection method: clinical testing. Allele origin: germline. Not counted in ClinVar's aggregate classification.

NM_000057.4(BLM):c.566G>A (p.Gly189Asp)

Gene: BLM (BLM RecQ like helicase; plus strand). Cytogenetic location: 15q26.1.
Variant type: single nucleotide variant.
Coding change: c.566G>A on transcript NM_000057.4 (MANE Select); coding-DNA position 566, G replaced by A.
Protein change: p.Gly189Asp; replaces glycine 189 with aspartic acid.
Molecular consequence: missense variant. On other transcripts: 5 prime UTR variant (1).
Genome position (GRCh38, 1-based): chr15:90,749,834, G>A. VCF-style: chr15-90749834-G-A. GRCh37 (hg19) VCF-style: chr15-91293064-G-A.
Other names: c.566G>A, p.Gly189Asp (NM_001287246.2, NM_001287247.2); c.-726G>A (NM_001287248.2); c.566G>A (NM_000057.2); short protein forms G189D.
Identifiers: ClinVar variation 576276 (VCV000576276.14), dbSNP rs754306004, ClinGen allele CA7738312.